The following is an entry in ClinVar:

ClinVar aggregate classification (germline): Benign/Likely benign. Review status: criteria provided, multiple submitters, no conflicts (2 of 4 stars). 11 submissions from 11 submitters: Benign (2); Likely benign (6). 3 of the submissions do not count toward it. Last evaluated 2026-09-01.

Conditions:
Epidermolysis bullosa simplex with nail dystrophy (EBS5D). Identifiers: MedGen C4225309, MONDO:0014661, OMIM 616487.
Epidermolysis bullosa simplex 5C, with pyloric atresia (EBS5C). Also called: PLEC-Related Epidermolysis Bullosa with Pyloric Atresia; PLEC1-Related Epidermolysis Bullosa with Pyloric Atresia; Epidermolysis bullosa simplex with pyloric atresia. Identifiers: Orphanet 158684, MedGen C2677349, MONDO:0012807, OMIM 612138.
Autosomal recessive limb-girdle muscular dystrophy type 2Q (LGMDR17). Also called: MUSCULAR DYSTROPHY, LIMB-GIRDLE, AUTOSOMAL RECESSIVE 17. Identifiers: Orphanet 254361, MedGen C3150989, MONDO:0013390, OMIM 613723.
Epidermolysis bullosa simplex, Ogna type (EBS5A). Also called: Pidermolysis bullosa simplex 5A, Ogna type; EPIDERMOLYSIS BULLOSA SIMPLEX 5A, OGNA TYPE. Identifiers: Orphanet 79401, MedGen C0432317, MONDO:0007555, OMIM 131950.
Epidermolysis bullosa simplex 5B, with muscular dystrophy (EBS5B). Also called: EPIDERMOLYSIS BULLOSA SIMPLEX AND LIMB-GIRDLE MUSCULAR DYSTROPHY; Epidermolysis bullosa simplex with muscular dystrophy. Identifiers: Orphanet 257, MedGen C2931072, MONDO:0009181, OMIM 226670.

Allele frequency attached by ClinVar (database versions not stated): 1000 Genomes Project 0.00160; 1000 Genomes Project 30x 0.00203; TOPMed 0.00353; ESP Exome Variant Server 0.00359; gnomAD 0.00427; ExAC 0.00479.
gnomAD v4.1: 7,519 of 1,588,218 alleles (0.47%); highest among the groups gnomAD compares: Non-Finnish European, 0.56%; 18 homozygotes.

Submissions (11):

CeGaT Center for Human Genetics Tuebingen
Classification: Likely benign. Last evaluated: 2026-09-01. Review status: criteria provided, single submitter. Criteria: CeGaT Center For Human Genetics Tuebingen Variant Classification Criteria Version 2. Collection method: clinical testing. Allele origin: germline. Affected: yes. Observed: 30 variant alleles.
Comment: PLEC: BS2

Labcorp Genetics (formerly Invitae), Labcorp
Classification: Likely benign for Autosomal recessive limb-girdle muscular dystrophy type 2Q; Epidermolysis bullosa simplex, Ogna type; Epidermolysis bullosa simplex with nail dystrophy; Epidermolysis bullosa simplex 5C, with pyloric atresia; Epidermolysis bullosa simplex 5B, with muscular dystrophy. Last evaluated: 2026-01-26. Review status: criteria provided, single submitter. Criteria: Invitae Variant Classification Sherloc (09022015). Collection method: clinical testing. Allele origin: germline.

Blueprint Genetics
Classification: Likely benign. Last evaluated: 2024-11-27. Review status: criteria provided, single submitter. Criteria: ACMG Guidelines, 2015. Collection method: clinical testing. Allele origin: germline.

Mayo Clinic Laboratories, Mayo Clinic
Classification: Benign. Last evaluated: 2024-03-05. Review status: criteria provided, single submitter. Criteria: ACMG Guidelines, 2015. Collection method: clinical testing. Allele origin: germline. Observed: 17 variant alleles.
Comment: BS1, BS2, BP4

Athena Diagnostics
Classification: Benign. Last evaluated: 2024-01-26. Review status: criteria provided, single submitter. Criteria: Athena Diagnostics Criteria. Collection method: clinical testing. Allele origin: unknown.

GeneDx
Classification: Likely benign. Last evaluated: 2020-12-21. Review status: criteria provided, single submitter. Criteria: GeneDx Variant Classification Process June 2021. Collection method: clinical testing. Allele origin: germline. Affected: yes.
Comment: This variant is associated with the following publications: (PMID: 32707200)

Genetic Services Laboratory, University of Chicago
Classification: Likely benign. Last evaluated: 2018-05-17. Review status: criteria provided, single submitter. Criteria: ACMG Guidelines, 2015. Collection method: clinical testing. Allele origin: germline. Affected: no.

Eurofins Ntd Llc (ga)
Classification: Likely benign. Last evaluated: 2015-08-13. Review status: criteria provided, single submitter. Criteria: EGL Classification Definitions 2015. Collection method: clinical testing. Allele origin: germline. Observed: 6 variant alleles, 6 heterozygotes.

Clinical Genetics DNA and cytogenetics Diagnostics Lab, Erasmus MC, Erasmus Medical Center
Classification: Likely benign. Review status: no assertion criteria provided. Collection method: clinical testing. Allele origin: germline. Affected: yes. Study: VKGL Data-share Consensus. Not counted in ClinVar's aggregate classification.

Genome Diagnostics Laboratory, University Medical Center Utrecht
Classification: Likely benign. Review status: no assertion criteria provided. Collection method: clinical testing. Allele origin: germline. Affected: yes. Study: VKGL Data-share Consensus. Not counted in ClinVar's aggregate classification.

Laboratory of Diagnostic Genome Analysis, Leiden University Medical Center (LUMC)
Classification: Likely benign. Review status: no assertion criteria provided. Collection method: clinical testing. Allele origin: germline. Affected: yes. Study: VKGL Data-share Consensus. Not counted in ClinVar's aggregate classification.

NM_201384.3(PLEC):c.4366G>A (p.Val1456Met)

Gene: PLEC (plectin; minus strand). Cytogenetic location: 8q24.3.
Variant type: single nucleotide variant.
Coding change: c.4366G>A on transcript NM_201384.3 (MANE Select); coding-DNA position 4366, G replaced by A.
Protein change: p.Val1456Met; replaces valine 1456 with methionine.
Molecular consequence: missense variant.
Genome position (GRCh38, 1-based): chr8:143,925,563, C>T on the plus strand (G>A on the coding strand, the complement: PLEC is on the minus strand). VCF-style: chr8-143925563-C-T. GRCh37 (hg19) VCF-style: chr8-144999731-C-T.
Other names: p.Val1442Met; c.4447G>A, p.Val1483Met (NM_000445.5); c.4324G>A, p.Val1442Met (NM_201378.4); c.4300G>A, p.Val1434Met (NM_201379.3); c.4777G>A, p.Val1593Met (NM_201380.4); c.4270G>A, p.Val1424Met (NM_201381.3); c.4366G>A, p.Val1456Met (NM_201382.4); c.4378G>A, p.Val1460Met (NM_201383.3); short protein forms V1456M, V1442M, V1483M, V1424M, V1460M, V1593M, V1434M.
Identifiers: ClinVar variation 281317 (VCV000281317.65), dbSNP rs186848953, ClinGen allele CA4926684.
Genomic context (GRCh38, chr8:143,925,563, plus strand): 5'-GCAGCTCCCCCTCAGCCCCGCCACGCTGGCGCTCGGTGGCCTCCAACTGCAGGCGCACCA[C>T]GCGGATCTCCTCCTCGATGCGCAGCCGGCTGCGCTCAGCCGCCTCTGCCTGCCGGGCCTT-3'
Protein context (NP_958786.1, residues 1446-1466): SRLRIEEEIR[Val1456Met]VRLQLEATER